The following is an entry in ClinVar:

ClinVar aggregate classification (germline): Uncertain significance. Review status: criteria provided, multiple submitters, no conflicts (2 of 4 stars). 2 submissions from 2 submitters: Uncertain significance (2). Last evaluated 2024-09-10.

Allele frequency attached by ClinVar (database versions not stated): gnomAD exomes below 0.00001 and 0.00001; TOPMed below 0.00001; ExAC 0.00001.
gnomAD v4.1: 3 of 1,613,610 alleles (0.00019%); highest among the groups gnomAD compares: Non-Finnish European, 0.00025%; no homozygotes.

Submissions (2):

Blueprint Genetics
Classification: Uncertain significance. Last evaluated: 2024-09-10. Review status: criteria provided, single submitter. Criteria: ACMG Guidelines, 2015. Collection method: clinical testing. Allele origin: germline.

Labcorp Genetics (formerly Invitae), Labcorp
Classification: Uncertain significance. Last evaluated: 2021-07-26. Review status: criteria provided, single submitter. Criteria: Invitae Variant Classification Sherloc (09022015). Collection method: clinical testing. Allele origin: germline.
Comment: This variant is present in population databases (rs774708325, ExAC 0.001%). In summary, the available evidence is currently insufficient to determine the role of this variant in disease. Therefore, it has been classified as a Variant of Uncertain Significance. Algorithms developed to predict the effect of missense changes on protein structure and function are either unavailable or do not agree on the potential impact of this missense change (SIFT: "Tolerated"; PolyPhen-2: "Possibly Damaging"; Align-GVGD: "Class C0"). This variant has not been reported in the literature in individuals affected with SETD1A-related conditions. This sequence change replaces arginine with isoleucine at codon 72 of the SETD1A protein (p.Arg72Ile). The arginine residue is moderately conserved and there is a moderate physicochemical difference between arginine and isoleucine.

NM_014712.3(SETD1A):c.215G>T (p.Arg72Ile)

Gene: SETD1A (SET domain containing 1A, histone lysine methyltransferase; plus strand). Cytogenetic location: 16p11.2.
Variant type: single nucleotide variant.
Coding change: c.215G>T on transcript NM_014712.3 (MANE Select); coding-DNA position 215, G replaced by T.
Protein change: p.Arg72Ile; replaces arginine 72 with isoleucine.
Molecular consequence: missense variant.
Genome position (GRCh38, 1-based): chr16:30,959,155, G>T. VCF-style: chr16-30959155-G-T. GRCh37 (hg19) VCF-style: chr16-30970476-G-T.
Other names: short protein forms R72I.
Identifiers: ClinVar variation 1521607 (VCV001521607.9), dbSNP rs774708325, ClinGen allele CA8016334.